The following is an entry in ClinVar:

ClinVar aggregate classification (germline): Uncertain significance (1 of 4 stars; one submission).

Conditions:
CEP290-related disorder. Also called: CEP290-related disorders; CEP290-related condition. Identifiers: MedGen CN239314.

gnomAD v4.1: 1 of 1,613,584 alleles (0.000062%); highest among the groups gnomAD compares: South Asian, 0.0011%; no homozygotes.

Submission:

PreventionGenetics, part of Exact Sciences
Classification: Uncertain significance for CEP290-related condition. Last evaluated: 2026-04-24. Review status: criteria provided, single submitter. Criteria: ACMG Guidelines, 2015. Collection method: clinical testing. Allele origin: germline.
Comment: The CEP290 c.1300G>A variant is predicted to result in the amino acid substitution p.Ala434Thr. To our knowledge, this variant has not been reported in the literature. This variant is reported in 0.0033% of alleles in individuals of South Asian descent in gnomAD. At this time, the clinical significance of this variant is uncertain due to the absence of conclusive functional and genetic evidence.

NM_025114.4(CEP290):c.1300G>A (p.Ala434Thr)

Gene: CEP290 (centrosomal protein 290; minus strand). Cytogenetic location: 12q21.32.
Variant type: single nucleotide variant.
Coding change: c.1300G>A on transcript NM_025114.4 (MANE Select); coding-DNA position 1300, G replaced by A.
Protein change: p.Ala434Thr; replaces alanine 434 with threonine.
Molecular consequence: missense variant.
Genome position (GRCh38, 1-based): chr12:88,121,056, C>T on the plus strand (G>A on the coding strand, the complement: CEP290 is on the minus strand). VCF-style: chr12-88121056-C-T. GRCh37 (hg19) VCF-style: chr12-88514833-C-T.
Other names: short protein forms A434T.
Identifiers: ClinVar variation 4986284 (VCV004986284.1).
Genomic context (GRCh38, chr12:88,121,056, plus strand): 5'-CCGATTCATAATCTTTTAACCTCTTCAGAGCCTCAACTAATTCTTTATCCTTTTCCCTAG[C>T]ATCAGCCTCAGCCAGTTCAGCTGTTCTCTCAGCCTCTTTAGTTTTCTCTTTTAAAATGTC-3'
Protein context (NP_079390.3, residues 424-444): ERTAELAEAD[Ala434Thr]REKDKELVEA